The following is an entry in ClinVar:

ClinVar aggregate classification (germline): Uncertain significance (1 of 4 stars; one submission).

Conditions:
Emery-Dreifuss muscular dystrophy 5, autosomal dominant (EDMD5). Also called: EMERY-DREIFUSS MUSCULAR DYSTROPHY 5. Identifiers: Orphanet 261, MedGen C2751805, MONDO:0013072, OMIM 612999.

Allele frequency attached by ClinVar (database versions not stated): gnomAD exomes 0.00002; ExAC 0.00003.
gnomAD v4.1: 9 of 1,614,192 alleles (0.00056%); highest among the groups gnomAD compares: Admixed American, 0.013%; no homozygotes.

Submission:

Labcorp Genetics (formerly Invitae), Labcorp
Classification: Uncertain significance for Emery-Dreifuss muscular dystrophy 5, autosomal dominant. Last evaluated: 2023-07-26. Review status: criteria provided, single submitter. Criteria: Invitae Variant Classification Sherloc (09022015). Collection method: clinical testing. Allele origin: germline.
Comment: This variant is present in population databases (rs759079137, gnomAD 0.02%). This variant has not been reported in the literature in individuals affected with SYNE2-related conditions. ClinVar contains an entry for this variant (Variation ID: 2197191). An algorithm developed to predict the effect of missense changes on protein structure and function (PolyPhen-2) suggests that this variant is likely to be tolerated. Algorithms developed to predict the effect of sequence changes on RNA splicing suggest that this variant may create or strengthen a splice site. In summary, the available evidence is currently insufficient to determine the role of this variant in disease. Therefore, it has been classified as a Variant of Uncertain Significance. This sequence change replaces isoleucine, which is neutral and non-polar, with serine, which is neutral and polar, at codon 5851 of the SYNE2 protein (p.Ile5851Ser).

NM_182914.3(SYNE2):c.17552T>G (p.Ile5851Ser)

Gene: SYNE2 (spectrin repeat containing nuclear envelope protein 2; plus strand). Cytogenetic location: 14q23.2.
Variant type: single nucleotide variant.
Coding change: c.17552T>G on transcript NM_182914.3 (MANE Select); coding-DNA position 17552, T replaced by G.
Protein change: p.Ile5851Ser; replaces isoleucine 5851 with serine.
Molecular consequence: missense variant.
Genome position (GRCh38, 1-based): chr14:64,177,479, T>G. VCF-style: chr14-64177479-T-G. GRCh37 (hg19) VCF-style: chr14-64644197-T-G.
Other names: c.17552T>G, p.Ile5851Ser (NM_015180.6); short protein forms I5851S.
Identifiers: ClinVar variation 2197191 (VCV002197191.4), dbSNP rs759079137, ClinGen allele CA7223734.